The following is an entry in ClinVar:

NM_203475.3(PORCN):c.56T>C (p.Leu19Pro)

Gene: PORCN (porcupine O-acyltransferase; plus strand). Cytogenetic location: Xp11.23.
Variant type: single nucleotide variant.
Coding change: c.56T>C on transcript NM_203475.3 (MANE Select); coding-DNA position 56, T replaced by C.
Protein change: p.Leu19Pro; replaces leucine 19 with proline.
Molecular consequence: missense variant. On other transcripts: 5 prime UTR variant (1), non-coding transcript variant (2).
Genome position (GRCh38, 1-based): chrX:48,509,876, T>C. VCF-style: chrX-48509876-T-C. GRCh37 (hg19) VCF-style: chrX-48368264-T-C.
Other names: c.-87T>C (NM_001282167.2); c.395T>C, p.Leu132Pro (NM_001441333.1, NM_001441334.1); c.161T>C, p.Leu54Pro (NM_001441335.1); c.319T>C, p.Cys107Arg (NM_001441336.1); c.56T>C, p.Leu19Pro (NM_022825.4, NM_203473.3, NM_203474.1); short protein forms C107R, L132P, L19P, L54P.
Identifiers: ClinVar variation 4856010 (VCV004856010.1).
Genomic context (GRCh38, chrX:48,509,876, plus strand): 5'-CTGCAATGGCCACCTTTAGCCGCCAGGAATTTTTCCAGCAGCTACTGCAAGGCTGTCTCC[T>C]GCCTACTGCCCAGCAGGGCCTTGACCAGATCTGGCTGCTCCTTGCCATCTGCCTCGCCTG-3'
Protein context (NP_982301.1, residues 9-29): FFQQLLQGCL[Leu19Pro]PTAQQGLDQI

ClinVar aggregate classification (germline): Uncertain significance (1 of 4 stars; one submission).

Conditions:
Focal dermal hypoplasia (FDH). Also called: Goltz syndrome. Identifiers: Orphanet 2092, MedGen C0016395, MONDO:0010592, OMIM 305600.

Submission:

3billion
Classification: Uncertain significance for Focal dermal hypoplasia. Last evaluated: 2025-09-18. Review status: criteria provided, single submitter. Criteria: ACMG Guidelines, 2015. Collection method: clinical testing. Allele origin: germline. Affected: yes.
Comment: The variant is not observed in the gnomAD v4.1.0 dataset. Predicted Consequence/Location: Missense variant In silico tool predictions suggest damaging effect of the variant on gene or gene product [REVEL: 0.67 (>=0.6, sensitivity 0.68 and specificity 0.92)]. Therefore, this variant is classified as VUS according to the recommendation of ACMG/AMP guideline.